The following is an entry in ClinVar:

ClinVar aggregate classification (germline): Benign. Review status: criteria provided, multiple submitters, no conflicts (2 of 4 stars). 4 submissions from 4 submitters: Benign (4). Last evaluated 2026-02-04.

Conditions:
Immunodeficiency 63 with lymphoproliferation and autoimmunity. Also called: INTERLEUKIN 2 RECEPTOR, BETA, DEFICIENCY OF; IL2RB DEFICIENCY; CD122 DEFICIENCY. Identifiers: MedGen C5193126, MONDO:0032782, OMIM 618495.

Allele frequency attached by ClinVar (database versions not stated): TOPMed 0.46323; 1000 Genomes Project 0.48043; 1000 Genomes Project 30x 0.47658; ESP Exome Variant Server 0.45809.
gnomAD v4.1: 707,084 of 1,598,574 alleles (44%); highest among the groups gnomAD compares: East Asian, 63%; 159,196 homozygotes.

Submissions (4):

Labcorp Genetics (formerly Invitae), Labcorp
Classification: Benign. Last evaluated: 2026-02-04. Review status: criteria provided, single submitter. Criteria: Invitae Variant Classification Sherloc (09022015). Collection method: clinical testing. Allele origin: germline.

Unidad de Genómica Garrahan, Hospital de Pediatría Garrahan
Classification: Benign. Last evaluated: 2024-01-24. Review status: criteria provided, single submitter. Criteria: ACMG Guidelines, 2015. Collection method: clinical testing. Allele origin: germline. Affected: no. Observed: 61 variant alleles.
Comment: This variant is classified as Benign based on local population frequency. This variant was detected in 69% of patients studied by a panel of primary immunodeficiencies. Number of patients: 61. Only high quality variants are reported.

Genome-Nilou Lab
Classification: Benign for Immunodeficiency 63 with lymphoproliferation and autoimmunity. Last evaluated: 2021-08-19. Review status: criteria provided, single submitter. Criteria: ACMG Guidelines, 2015. Collection method: clinical testing. Allele origin: germline. Affected: no.

Breakthrough Genomics
Classification: Benign. Review status: criteria provided, single submitter. Criteria: ACMG Guidelines, 2015. Collection method: not provided. Allele origin: germline. Inheritance: Autosomal recessive inheritance. Affected: yes.

NM_000878.5(IL2RB):c.389-20C>G

Gene: IL2RB (interleukin 2 receptor subunit beta; minus strand). Cytogenetic location: 22q12.3.
Variant type: single nucleotide variant.
Coding change: c.389-20C>G on transcript NM_000878.5 (MANE Select); 20 bases into the intron before coding-DNA position 389, C replaced by G.
Molecular consequence: intron variant.
Genome position (GRCh38, 1-based): chr22:37,137,755, G>C on the plus strand (C>G on the coding strand, the complement: IL2RB is on the minus strand). VCF-style: chr22-37137755-G-C. GRCh37 (hg19) VCF-style: chr22-37533795-G-C.
Other names: c.389-20C>G (NM_001346222.1, NM_001346223.2).
Identifiers: ClinVar variation 1168192 (VCV001168192.14), dbSNP rs228958, ClinGen allele CA10216632.